The following is an entry in ClinVar:

ClinVar aggregate classification (germline): Uncertain significance (1 of 4 stars; one submission).

Conditions:
Hereditary cancer-predisposing syndrome. Also called: Neoplastic Syndromes, Hereditary; Hereditary Cancer Syndrome; Tumor predisposition; Hereditary neoplastic syndrome. Identifiers: Orphanet 140162, MedGen C0027672, MeSH D009386, MONDO:0015356.

Submission:

Ambry Genetics
Classification: Uncertain significance for Hereditary cancer-predisposing syndrome. Last evaluated: 2023-01-22. Review status: criteria provided, single submitter. Criteria: Ambry Variant Classification Scheme 2023. Collection method: clinical testing. Allele origin: germline.
Comment: The p.D1080A variant (also known as c.3239A>C), located in coding exon 21 of the ATM gene, results from an A to C substitution at nucleotide position 3239. The aspartic acid at codon 1080 is replaced by alanine, an amino acid with dissimilar properties. This amino acid position is conserved. In addition, this alteration is predicted to be deleterious by in silico analysis. Since supporting evidence is limited at this time, the clinical significance of this alteration remains unclear.

NM_000051.4(ATM):c.3239A>C (p.Asp1080Ala)

Gene: ATM (ATM serine/threonine kinase; plus strand). Cytogenetic location: 11q22.3.
Variant type: single nucleotide variant.
Coding change: c.3239A>C on transcript NM_000051.4 (MANE Select); coding-DNA position 3239, A replaced by C.
Protein change: p.Asp1080Ala; replaces aspartic acid 1080 with alanine.
Molecular consequence: missense variant.
Genome position (GRCh38, 1-based): chr11:108,272,807, A>C. VCF-style: chr11-108272807-A-C. GRCh37 (hg19) VCF-style: chr11-108143534-A-C.
Other names: c.3239A>C, p.Asp1080Ala (NM_001351834.2); short protein forms D1080A.
Identifiers: ClinVar variation 2447498 (VCV002447498.2), dbSNP rs757617016, ClinGen allele CA382515981.